The following is an entry in ClinVar:

NM_016111.4(TELO2):c.336C>A (p.Gly112=)

Gene: TELO2 (telomere maintenance 2; plus strand). Cytogenetic location: 16p13.3.
Variant type: single nucleotide variant.
Coding change: c.336C>A on transcript NM_016111.4 (MANE Select); coding-DNA position 336, C replaced by A.
Protein change: p.Gly112=; no amino-acid change (glycine 112 retained).
Molecular consequence: synonymous variant.
Genome position (GRCh38, 1-based): chr16:1,495,346, C>A. VCF-style: chr16-1495346-C-A. GRCh37 (hg19) VCF-style: chr16-1545347-C-A.
Other names: c.336C>A, p.Gly112= (NM_001351846.2); c.336C>A (NM_016111.3).
Identifiers: ClinVar variation 1174637 (VCV001174637.12), dbSNP rs766255081, ClinGen allele CA7811607.

ClinVar aggregate classification (germline): Likely benign. Review status: criteria provided, multiple submitters, no conflicts (2 of 4 stars). 5 submissions from 5 submitters: Likely benign (3). 2 of the submissions do not count toward it. Last evaluated 2025-12-01.

Conditions:
Inborn genetic diseases. Identifiers: MedGen C0950123, MeSH D030342.

Allele frequency attached by ClinVar (database versions not stated): gnomAD exomes 0.00006 and 0.00011; TOPMed 0.00012.
gnomAD v4.1: 101 of 1,541,466 alleles (0.0066%); highest among the groups gnomAD compares: Middle Eastern, 0.023%; no homozygotes.

Submissions (5):

CeGaT Center for Human Genetics Tuebingen
Classification: Likely benign. Last evaluated: 2025-12-01. Review status: criteria provided, single submitter. Criteria: CeGaT Center For Human Genetics Tuebingen Variant Classification Criteria Version 2. Collection method: clinical testing. Allele origin: germline. Affected: yes. Observed: 1 variant allele.
Comment: TELO2: BP4, BP7

Ambry Genetics
Classification: Likely benign for Inborn genetic diseases. Last evaluated: 2023-05-23. Review status: criteria provided, single submitter. Criteria: Ambry Variant Classification Scheme 2023. Collection method: clinical testing. Allele origin: germline.

Breakthrough Genomics
Classification: Likely benign. Review status: criteria provided, single submitter. Criteria: ACMG Guidelines, 2015. Collection method: not provided. Allele origin: germline. Inheritance: Autosomal recessive inheritance. Affected: yes.

Clinical Genetics DNA and cytogenetics Diagnostics Lab, Erasmus MC, Erasmus Medical Center
Classification: Likely benign. Review status: no assertion criteria provided. Collection method: clinical testing. Allele origin: germline. Affected: yes. Study: VKGL Data-share Consensus. Not counted in ClinVar's aggregate classification.

Diagnostic Laboratory, Department of Genetics, University Medical Center Groningen
Classification: Likely benign. Review status: no assertion criteria provided. Collection method: clinical testing. Allele origin: germline. Affected: yes. Study: VKGL Data-share Consensus. Not counted in ClinVar's aggregate classification.